The following is an entry in ClinVar:

ClinVar aggregate classification (germline): Uncertain significance. Review status: criteria provided, multiple submitters, no conflicts (2 of 4 stars). 2 submissions from 2 submitters: Uncertain significance (2). Last evaluated 2025-12-01.

Conditions:
Hereditary diffuse gastric adenocarcinoma (HDGC). Also called: DIFFUSE GASTRIC AND LOBULAR BREAST CANCER SYNDROME. Identifiers: Orphanet 26106, MedGen C1708349, MONDO:0007648, OMIM 137215.
Hereditary cancer-predisposing syndrome. Also called: Neoplastic Syndromes, Hereditary; Tumor predisposition; Hereditary neoplastic syndrome; Hereditary Cancer Syndrome. Identifiers: Orphanet 140162, MedGen C0027672, MeSH D009386, MONDO:0015356.

Submissions (2):

Labcorp Genetics (formerly Invitae), Labcorp
Classification: Uncertain significance for Hereditary diffuse gastric adenocarcinoma. Last evaluated: 2025-12-01. Review status: criteria provided, single submitter. Criteria: Invitae Variant Classification Sherloc (09022015). Collection method: clinical testing. Allele origin: germline.
Comment: This sequence change replaces leucine, which is neutral and non-polar, with valine, which is neutral and non-polar, at codon 466 of the CDH1 protein (p.Leu466Val). This variant is not present in population databases (gnomAD no frequency). This variant has not been reported in the literature in individuals affected with CDH1-related conditions. ClinVar contains an entry for this variant (Variation ID: 3829994). An algorithm developed to predict the effect of missense changes on protein structure and function (PolyPhen-2) suggests that this variant is likely to be tolerated. In summary, the available evidence is currently insufficient to determine the role of this variant in disease. Therefore, it has been classified as a Variant of Uncertain Significance.

Ambry Genetics
Classification: Uncertain significance for Hereditary cancer-predisposing syndrome. Last evaluated: 2025-02-04. Review status: criteria provided, single submitter. Criteria: Ambry Variant Classification Scheme 2023. Collection method: clinical testing. Allele origin: germline.
Comment: The p.L466V variant (also known as c.1396C>G), located in coding exon 10 of the CDH1 gene, results from a C to G substitution at nucleotide position 1396. The leucine at codon 466 is replaced by valine, an amino acid with highly similar properties. This amino acid position is conserved. In addition, this alteration is predicted to be tolerated by in silico analysis. Based on the available evidence, the clinical significance of this variant remains unclear.

NM_004360.5(CDH1):c.1396C>G (p.Leu466Val)

Gene: CDH1 (cadherin 1; plus strand). Cytogenetic location: 16q22.1.
Variant type: single nucleotide variant.
Coding change: c.1396C>G on transcript NM_004360.5 (MANE Select); coding-DNA position 1396, C replaced by G.
Protein change: p.Leu466Val; replaces leucine 466 with valine.
Molecular consequence: missense variant. On other transcripts: 5 prime UTR variant (2).
Genome position (GRCh38, 1-based): chr16:68,815,590, C>G. VCF-style: chr16-68815590-C-G. GRCh37 (hg19) VCF-style: chr16-68849493-C-G.
Other names: c.-424C>G (NM_001317186.2); c.1213C>G, p.Leu405Val (NM_001317184.2); c.-153C>G (NM_001317185.2); short protein forms L405V, L466V.
Identifiers: ClinVar variation 3829994 (VCV003829994.2).